The following is an entry in ClinVar:

NM_007294.4(BRCA1):c.2950T>C (p.Phe984Leu)

Gene: BRCA1 (BRCA1 DNA repair associated; minus strand). Cytogenetic location: 17q21.31.
Variant type: single nucleotide variant.
Coding change: c.2950T>C on transcript NM_007294.4 (MANE Select); coding-DNA position 2950, T replaced by C.
Protein change: p.Phe984Leu; replaces phenylalanine 984 with leucine.
Molecular consequence: missense variant. On other transcripts: intron variant (137).
Genome position (GRCh38, 1-based): chr17:43,092,581, A>G on the plus strand (T>C on the coding strand, the complement: BRCA1 is on the minus strand). VCF-style: chr17-43092581-A-G. GRCh37 (hg19) VCF-style: chr17-41244598-A-G.
Other names: c.2872T>C, p.Phe958Leu (NM_001407658.1, NM_001407663.1, NM_001407653.1 and 4 more transcripts); c.2869T>C, p.Phe957Leu (NM_001407659.1, NM_001407660.1, NM_001407661.1 and 1 more transcripts); c.2827T>C, p.Phe943Leu (NM_001407664.1, NM_001407665.1, NM_001407666.1 and 19 more transcripts); c.2824T>C, p.Phe942Leu (NM_001407670.1, NM_001407671.1, NM_001407672.1 and 11 more transcripts); c.2950T>C, p.Phe984Leu (NM_001407684.1, NM_001407854.1, NM_001407858.1 and 30 more transcripts); c.2809T>C, p.Phe937Leu (NM_001407692.1, NM_001407694.1, NM_001407695.1 and 29 more transcripts); c.2806T>C, p.Phe936Leu (NM_001407740.1, NM_001407741.1, NM_001407742.1 and 20 more transcripts); c.2737T>C, p.Phe913Leu (NM_001407853.1, NM_001407894.1, NM_001407895.1 and 9 more transcripts); and 41 more; short protein forms F984L, F937L, F873L, F896L, F957L, F872L, F895L, F914L.
Identifiers: ClinVar variation 822349 (VCV000822349.17), dbSNP rs1597866542, ClinGen allele CA10596099.
Genomic context (GRCh38, chr17:43,092,581, plus strand): 5'-CAAAGTTTTCCTCTAGCAGATTTTTCTTACATTTAGTTTTAACAAATGACTTGATGGGAA[A>G]AAGTGGTGGTATACGATATGGGTTTTGTAAAAGTCCATGTTTATTTGGAGTAATGAGTCC-3'
Protein context (NP_009225.1, residues 974-994): LQNPYRIPPL[Phe984Leu]PIKSFVKTKC

ClinVar aggregate classification (germline): Conflicting classifications of pathogenicity. Review status: criteria provided, conflicting classifications (1 of 4 stars). 3 submissions from 3 submitters: Uncertain significance (2); Likely benign (1). Last evaluated 2023-03-23.

Conditions:
Hereditary cancer-predisposing syndrome. Also called: Tumor predisposition; Hereditary Cancer Syndrome; Neoplastic Syndromes, Hereditary; Hereditary neoplastic syndrome. Identifiers: Orphanet 140162, MedGen C0027672, MeSH D009386, MONDO:0015356.
Hereditary breast ovarian cancer syndrome. Also called: Hereditary breast and ovarian cancer; Breast and ovarian cancer; Hereditary breast and/or ovarian cancer syndrome; Hereditary breast and ovarian cancer syndrome; BRCA1- and BRCA2-Associated Hereditary Breast and Ovarian Cancer; Hereditary breast and ovarian cancer syndrome (HBOC). Identifiers: Orphanet 145, MedGen C0677776, MeSH D061325, MONDO:0003582. Disease mechanism: loss of function.

Allele frequency attached by ClinVar (database versions not stated): gnomAD exomes below 0.00001.
gnomAD v4.1: 2 of 1,614,110 alleles (0.00012%); highest among the groups gnomAD compares: South Asian, 0.0022%; no homozygotes.

Submissions (3):

University of Washington Department of Laboratory Medicine, University of Washington
Classification: Likely benign for Hereditary cancer-predisposing syndrome. Last evaluated: 2023-03-23. Review status: criteria provided, single submitter. Criteria: Dines et al. (Genet Med. 2020). Collection method: curation. Allele origin: germline.
Comment: Missense variant in a coldspot region where missense variants are very unlikely to be pathogenic (PMID:31911673).

BRCA1 coldspot (exon 11 using historical exon numbering). Reclassification based on statistical prior probability

Ambry Genetics
Classification: Uncertain significance for Hereditary cancer-predisposing syndrome. Last evaluated: 2019-11-13. Review status: criteria provided, single submitter. Criteria: Ambry Variant Classification Scheme 2023. Collection method: clinical testing. Allele origin: germline.
Comment: The p.F984L variant (also known as c.2950T>C), located in coding exon 9 of the BRCA1 gene, results from a T to C substitution at nucleotide position 2950. The phenylalanine at codon 984 is replaced by leucine, an amino acid with highly similar properties. This amino acid position is poorly conserved in available vertebrate species. In addition, this alteration is predicted to be tolerated by in silico analysis. Since supporting evidence is limited at this time, the clinical significance of this alteration remains unclear.

Labcorp Genetics (formerly Invitae), Labcorp
Classification: Uncertain significance for Hereditary breast ovarian cancer syndrome. Last evaluated: 2019-01-25. Review status: criteria provided, single submitter. Criteria: Invitae Variant Classification Sherloc (09022015). Collection method: clinical testing. Allele origin: germline.
Comment: In summary, the available evidence is currently insufficient to determine the role of this variant in disease. Therefore, it has been classified as a Variant of Uncertain Significance. Algorithms developed to predict the effect of missense changes on protein structure and function (SIFT, PolyPhen-2, Align-GVGD) all suggest that this variant is likely to be tolerated, but these predictions have not been confirmed by published functional studies and their clinical significance is uncertain. This variant has not been reported in the literature in individuals with BRCA1-related conditions. This variant is not present in population databases (ExAC no frequency). This sequence change replaces phenylalanine with leucine at codon 984 of the BRCA1 protein (p.Phe984Leu). The phenylalanine residue is weakly conserved and there is a small physicochemical difference between phenylalanine and leucine.